The following is an entry in ClinVar:

ClinVar aggregate classification (germline): Pathogenic (1 of 4 stars; one submission).

Conditions:
Gorlin syndrome. Also called: Basal cell nevus syndrome; Nevoid Basal Cell Carcinoma Syndrome. Identifiers: Orphanet 377, MedGen C0004779, MONDO:0007187.

Submission:

Labcorp Genetics (formerly Invitae), Labcorp
Classification: Pathogenic for Gorlin syndrome. Last evaluated: 2021-09-23. Review status: criteria provided, single submitter. Criteria: Invitae Variant Classification Sherloc (09022015). Collection method: clinical testing. Allele origin: germline.
Comment: For these reasons, this variant has been classified as Pathogenic. Variants that disrupt the consensus splice site are a relatively common cause of aberrant splicing (PMID: 17576681, 9536098). Studies have shown that this variant results in skipping of exon 21 and introduces a premature termination codon (PMID: 15712338). The resulting mRNA is expected to undergo nonsense-mediated decay. This variant has been observed in individuals with clinical features of basal cell nevus syndrome (PMID: 15459969, 27561271; Invitae). This variant is not present in population databases (ExAC no frequency). This sequence change falls in intron 18 of the PTCH1 gene. It does not directly change the encoded amino acid sequence of the PTCH1 protein. RNA analysis indicates that this variant induces altered splicing and may result in an absent or disrupted protein product. ClinVar contains an entry for this variant (Variation ID: 652916).

Literature cited by the submitters: PubMed 17576681; PubMed 9536098; PubMed 15712338; PubMed 15459969; PubMed 27561271.

NM_000264.5(PTCH1):c.3168+5G>A

Gene: PTCH1 (patched 1; minus strand). Cytogenetic location: 9q22.32.
Variant type: single nucleotide variant.
Coding change: c.3168+5G>A on transcript NM_000264.5 (MANE Select); 5 bases into the intron after coding-DNA position 3168, G replaced by A.
Molecular consequence: intron variant.
Genome position (GRCh38, 1-based): chr9:95,458,008, C>T on the plus strand (G>A on the coding strand, the complement: PTCH1 is on the minus strand). VCF-style: chr9-95458008-C-T. GRCh37 (hg19) VCF-style: chr9-98220290-C-T.
Other names: c.3165+5G>A (NM_001083603.3); c.2970+5G>A (NM_001083602.3); c.3012+5G>A (NM_001354918.2); c.2715+5G>A (NM_001083605.3, NM_001083604.3, NM_001083606.3 and 1 more transcripts).
Identifiers: ClinVar variation 652916 (VCV000652916.9), dbSNP rs1588539525, ClinGen allele CA915947092.